The following is an entry in ClinVar:

NM_001875.5(CPS1):c.4220C>T (p.Pro1407Leu)

Gene: CPS1 (carbamoyl-phosphate synthase 1; plus strand). Cytogenetic location: 2q34.
Variant type: single nucleotide variant.
Coding change: c.4220C>T on transcript NM_001875.5 (MANE Select); coding-DNA position 4220, C replaced by T.
Protein change: p.Pro1407Leu; replaces proline 1407 with leucine.
Molecular consequence: missense variant. On other transcripts: non-coding transcript variant (2).
Genome position (GRCh38, 1-based): chr2:210,675,786, C>T. VCF-style: chr2-210675786-C-T. GRCh37 (hg19) VCF-style: chr2-211540510-C-T.
Other names: c.4220C>T, p.Pro1407Leu (NM_001122633.3, NM_001369257.1); c.4253C>T, p.Pro1418Leu (NM_001369256.1); short protein forms P1418L, P1407L.
Identifiers: ClinVar variation 2178982 (VCV002178982.4), dbSNP rs1390873960, ClinGen allele CA350440746.
Genomic context (GRCh38, chr2:210,675,786, plus strand): 5'-AGCTGTTTGCCACGGAAGCCACATCAGACTGGCTCAACGCCAACAATGTCCCTGCCACCC[C>T]AGTGGCATGGCCGTCTCAAGAAGGACAGAATCCCAGCCTCTCTTCCATCAGAAAGTAAGA-3'
Protein context (NP_001866.2, residues 1397-1417): WLNANNVPAT[Pro1407Leu]VAWPSQEGQN

ClinVar aggregate classification (germline): Uncertain significance (1 of 4 stars; one submission).

Conditions:
Congenital hyperammonemia, type I. Also called: CPS I DEFICIENCY; Carbamoyl phosphate synthetase 1 deficiency; Hyperammonemia due to carbamoyl phosphate synthetase 1 deficiency; CPS 1 deficiency; Carbamyl phosphate synthetase (CPS) deficiency; Carbamoyl phosphate synthetase I deficiency disease. Identifiers: Orphanet 147, MedGen C4082171, MONDO:0009376, OMIM 237300.

Allele frequency attached by ClinVar (database versions not stated): gnomAD exomes below 0.00001; gnomAD 0.00001.
gnomAD v4.1: 2 of 1,605,516 alleles (0.00012%); highest among the groups gnomAD compares: African/African-American, 0.0013%; no homozygotes.

Submission:

Labcorp Genetics (formerly Invitae), Labcorp
Classification: Uncertain significance for Congenital hyperammonemia, type I. Last evaluated: 2022-03-12. Review status: criteria provided, single submitter. Criteria: Invitae Variant Classification Sherloc (09022015). Collection method: clinical testing. Allele origin: germline.
Comment: In summary, the available evidence is currently insufficient to determine the role of this variant in disease. Therefore, it has been classified as a Variant of Uncertain Significance. Algorithms developed to predict the effect of missense changes on protein structure and function are either unavailable or do not agree on the potential impact of this missense change (SIFT: "Deleterious"; PolyPhen-2: "Possibly Damaging"; Align-GVGD: "Class C0"). This variant has not been reported in the literature in individuals affected with CPS1-related conditions. This variant is present in population databases (no rsID available, gnomAD 0.01%). This sequence change replaces proline, which is neutral and non-polar, with leucine, which is neutral and non-polar, at codon 1407 of the CPS1 protein (p.Pro1407Leu).